The following is an entry in ClinVar:

ClinVar aggregate classification (germline): Uncertain significance. Review status: criteria provided, multiple submitters, no conflicts (2 of 4 stars). 2 submissions from 2 submitters: Uncertain significance (2). Last evaluated 2022-04-26.

Allele frequency attached by ClinVar (database versions not stated): gnomAD 0.00001; gnomAD exomes 0.00001; TOPMed 0.00001; ExAC 0.00002; ESP Exome Variant Server 0.00008.
gnomAD v4.1: 10 of 1,610,826 alleles (0.00062%); highest among the groups gnomAD compares: East Asian, 0.0022%; no homozygotes.

Submissions (2):

Labcorp Genetics (formerly Invitae), Labcorp
Classification: Uncertain significance. Last evaluated: 2022-04-26. Review status: criteria provided, single submitter. Criteria: Invitae Variant Classification Sherloc (09022015). Collection method: clinical testing. Allele origin: germline.
Comment: In summary, the available evidence is currently insufficient to determine the role of this variant in disease. Therefore, it has been classified as a Variant of Uncertain Significance. Algorithms developed to predict the effect of missense changes on protein structure and function are either unavailable or do not agree on the potential impact of this missense change (SIFT: "Not Available"; PolyPhen-2: "Benign"; Align-GVGD: "Not Available"). This variant has not been reported in the literature in individuals affected with NUP160-related conditions. This variant is present in population databases (rs377451238, gnomAD 0.005%). This sequence change replaces threonine, which is neutral and polar, with isoleucine, which is neutral and non-polar, at codon 791 of the NUP160 protein (p.Thr791Ile).

Breakthrough Genomics
Classification: Uncertain significance. Review status: criteria provided, single submitter. Criteria: ACMG Guidelines, 2015. Collection method: not provided. Allele origin: germline. Inheritance: Autosomal recessive inheritance. Affected: yes.

NM_015231.3(NUP160):c.2270C>T (p.Thr757Ile)

Gene: NUP160 (nucleoporin 160; minus strand). Cytogenetic location: 11p11.2.
Variant type: single nucleotide variant.
Coding change: c.2270C>T on transcript NM_015231.3 (MANE Select); coding-DNA position 2270, C replaced by T.
Protein change: p.Thr757Ile; replaces threonine 757 with isoleucine.
Molecular consequence: missense variant. On other transcripts: non-coding transcript variant (1).
Genome position (GRCh38, 1-based): chr11:47,808,399, G>A on the plus strand (C>T on the coding strand, the complement: NUP160 is on the minus strand). VCF-style: chr11-47808399-G-A. GRCh37 (hg19) VCF-style: chr11-47829951-G-A.
Other names: short protein forms T757I.
Identifiers: ClinVar variation 1986993 (VCV001986993.5), dbSNP rs377451238, ClinGen allele CA5981043.